The following is an entry in ClinVar:

NM_032043.3(BRIP1):c.2764_2784del (p.Leu923_Leu929del)

Gene: BRIP1 (BRCA1 interacting DNA helicase 1; minus strand). Cytogenetic location: 17q23.2.
Variant type: Deletion.
Coding change: c.2764_2784del on transcript NM_032043.3 (MANE Select); coding-DNA positions 2764 to 2784, 21 bases deleted (TTACTGGAAGCAGCAAGTCAT).
Protein change: p.Leu923_Leu929del.
Molecular consequence: inframe deletion.
Genome position (GRCh38, 1-based): chr17:61,685,957-61,685,977, ATGACTTGCTGCTTCCAGTAA deleted on the plus strand (TTACTGGAAGCAGCAAGTCAT on the coding strand, the reverse complement: BRIP1 is on the minus strand); deleting any 21 consecutive bases within chr17:61,685,957-61,685,979 gives the same sequence; the c. name uses the placement nearest the transcript's 3' end. VCF-style (leftmost placement, unchanged base first): chr17-61685956-GATGACTTGCTGCTTCCAGTAA-G. GRCh37 (hg19) VCF-style: chr17-59763317-GATGACTTGCTGCTTCCAGTAA-G.
Other names: c.2764_2784del21 (NM_032043.2).
Identifiers: ClinVar variation 1000644 (VCV001000644.9), dbSNP rs2061355023, ClinGen allele CA2269131905.

ClinVar aggregate classification (germline): Conflicting classifications of pathogenicity. Review status: criteria provided, conflicting classifications (1 of 4 stars). 2 submissions from 2 submitters: Likely pathogenic (1); Uncertain significance (1). Last evaluated 2026-03-23.

Conditions:
Hereditary cancer-predisposing syndrome. Also called: Hereditary Cancer Syndrome; Neoplastic Syndromes, Hereditary; Tumor predisposition; Hereditary neoplastic syndrome. Identifiers: Orphanet 140162, MedGen C0027672, MeSH D009386, MONDO:0015356.
Familial cancer of breast. Also called: BREAST CANCER, FAMILIAL; Hereditary breast cancer; hereditary breast carcinoma. Identifiers: Orphanet 227535, MedGen C0346153, MONDO:0016419, OMIM 114480. Disease mechanism: loss of function.
Fanconi anemia complementation group J. Also called: BRIP1-Related Fanconi Anemia. Identifiers: Orphanet 84, MedGen C1836860, MONDO:0012187, OMIM 609054.

Submissions (2):

Ambry Genetics
Classification: Likely pathogenic for Hereditary cancer-predisposing syndrome. Last evaluated: 2026-03-23. Review status: criteria provided, single submitter. Criteria: Ambry Variant Classification Scheme 2023. Collection method: clinical testing. Allele origin: germline.
Comment: The c.2764_2784del21 variant (also known as p.L923_L929del) is located in coding exon 18 of the BRIP1 gene. This variant results from an in-frame deletion of 21 nucleotides at positions 2764 to 2784. This results in the in-frame deletion of 7 amino acids (LEAASHL) at codons 923 to 929. This amino acid region is generally well conserved in available vertebrate species. In addition, this alteration is predicted to be deleterious by in silico analysis (Choi Y et al. PLoS ONE. 2012; 7(10):e46688). In silico splice site analysis predicts that this alteration may weaken the native splice donor site. RNA studies have demonstrated that this variant results in abnormal splicing in the set of samples tested (Ambry internal data). This variant is considered to be rare based on population cohorts in the Genome Aggregation Database (gnomAD). Based on the majority of available evidence to date, this variant is likely to be pathogenic.

Labcorp Genetics (formerly Invitae), Labcorp
Classification: Uncertain significance for Familial cancer of breast; Fanconi anemia complementation group J. Last evaluated: 2021-08-26. Review status: criteria provided, single submitter. Criteria: Invitae Variant Classification Sherloc (09022015). Collection method: clinical testing. Allele origin: germline.
Comment: This variant, c.2764_2784del, results in the deletion of 7 amino acid(s) of the BRIP1 protein (p.Leu923_Leu929del), but otherwise preserves the integrity of the reading frame. This variant is not present in population databases (ExAC no frequency). This variant has not been reported in the literature in individuals affected with BRIP1-related conditions. Experimental studies and prediction algorithms are not available or were not evaluated, and the functional significance of this variant is currently unknown. In summary, the available evidence is currently insufficient to determine the role of this variant in disease. Therefore, it has been classified as a Variant of Uncertain Significance.